The following is an entry in ClinVar:

NM_005235.3(ERBB4):c.2760C>G (p.Pro920=)

Gene: ERBB4 (erb-b2 receptor tyrosine kinase 4; minus strand). Cytogenetic location: 2q34.
Variant type: single nucleotide variant.
Coding change: c.2760C>G on transcript NM_005235.3 (MANE Select); coding-DNA position 2760, C replaced by G.
Protein change: p.Pro920=; no amino-acid change (proline 920 retained).
Molecular consequence: synonymous variant.
Genome position (GRCh38, 1-based): chr2:211,424,261, G>C on the plus strand (C>G on the coding strand, the complement: ERBB4 is on the minus strand). VCF-style: chr2-211424261-G-C. GRCh37 (hg19) VCF-style: chr2-212288986-G-C.
Other names: c.2760C>G, p.Pro920= (NM_001042599.2).
Identifiers: ClinVar variation 3051348 (VCV003051348.2), dbSNP rs1574464362, ClinGen allele CA431102977.

ClinVar aggregate classification (germline): Likely benign (0 of 4 stars; one submission).

Conditions:
ERBB4-related disorder. Also called: ERBB4-related condition.

Allele frequency attached by ClinVar (database versions not stated): gnomAD exomes below 0.00001.
gnomAD v4.1: 1 of 1,612,966 alleles (0.000062%); highest among the groups gnomAD compares: Non-Finnish European, 0.000085%; no homozygotes.

Submission:

PreventionGenetics, part of Exact Sciences
Classification: Likely benign for ERBB4-related condition. Last evaluated: 2022-09-06. Review status: no assertion criteria provided. Collection method: clinical testing. Allele origin: germline.
Comment: This variant is classified as likely benign based on ACMG/AMP sequence variant interpretation guidelines (Richards et al. 2015 PMID: 25741868, with internal and published modifications).